The following is an entry in ClinVar:

ClinVar aggregate classification (germline): Uncertain significance (1 of 4 stars; one submission).

Conditions:
Cardiovascular phenotype. Identifiers: MedGen CN230736.

gnomAD v4.1: 2 of 1,613,710 alleles (0.00012%); highest among the groups gnomAD compares: Non-Finnish European, 0.00017%; no homozygotes.

Submission:

Ambry Genetics
Classification: Uncertain significance for Cardiovascular phenotype. Last evaluated: 2026-05-23. Review status: criteria provided, single submitter. Criteria: Ambry Variant Classification Scheme 2023. Collection method: clinical testing. Allele origin: germline.
Comment: The p.E11G variant (also known as c.32A>G), located in coding exon 1 of the TECRL gene, results from an A to G substitution at nucleotide position 32. The glutamic acid at codon 11 is replaced by glycine, an amino acid with similar properties. This amino acid position is conserved. In addition, this alteration is predicted to be tolerated by in silico analysis. Based on the available evidence, the clinical significance of this variant remains unclear.

NM_001010874.5(TECRL):c.32A>G (p.Glu11Gly)

Gene: TECRL (trans-2,3-enoyl-CoA reductase like; minus strand). Cytogenetic location: 4q13.1.
Variant type: single nucleotide variant.
Coding change: c.32A>G on transcript NM_001010874.5 (MANE Select); coding-DNA position 32, A replaced by G.
Protein change: p.Glu11Gly; replaces glutamic acid 11 with glycine.
Molecular consequence: missense variant.
Genome position (GRCh38, 1-based): chr4:64,409,320, T>C on the plus strand (A>G on the coding strand, the complement: TECRL is on the minus strand). VCF-style: chr4-64409320-T-C. GRCh37 (hg19) VCF-style: chr4-65275038-T-C.
Other names: c.32A>G, p.Glu11Gly (NM_001363796.1); short protein forms E11G.
Identifiers: ClinVar variation 4865409 (VCV004865409.1).